The following is an entry in ClinVar:

NM_003482.4(KMT2D):c.11359G>A (p.Val3787Ile)

Gene: KMT2D (lysine methyltransferase 2D; minus strand). Cytogenetic location: 12q13.12.
Variant type: single nucleotide variant.
Coding change: c.11359G>A on transcript NM_003482.4 (MANE Select); coding-DNA position 11359, G replaced by A.
Protein change: p.Val3787Ile; replaces valine 3787 with isoleucine.
Molecular consequence: missense variant.
Genome position (GRCh38, 1-based): chr12:49,033,346, C>T on the plus strand (G>A on the coding strand, the complement: KMT2D is on the minus strand). VCF-style: chr12-49033346-C-T. GRCh37 (hg19) VCF-style: chr12-49427129-C-T.
Other names: short protein forms V3787I.
Identifiers: ClinVar variation 2006262 (VCV002006262.5), dbSNP rs1363148814, ClinGen allele CA384719504.

ClinVar aggregate classification (germline): Uncertain significance. Review status: criteria provided, multiple submitters, no conflicts (2 of 4 stars). 2 submissions from 2 submitters: Uncertain significance (2). Last evaluated 2023-02-24.

Conditions:
Kabuki syndrome. Also called: NIIKAWA-KUROKI SYNDROME; Kabuki make-up syndrome. Identifiers: Orphanet 2322, MedGen C0796004, MONDO:0016512.

Submissions (2):

Labcorp Genetics (formerly Invitae), Labcorp
Classification: Uncertain significance for Kabuki syndrome. Last evaluated: 2023-02-24. Review status: criteria provided, single submitter. Criteria: Invitae Variant Classification Sherloc (09022015). Collection method: clinical testing. Allele origin: germline.
Comment: In summary, the available evidence is currently insufficient to determine the role of this variant in disease. Therefore, it has been classified as a Variant of Uncertain Significance. Advanced modeling of protein sequence and biophysical properties (such as structural, functional, and spatial information, amino acid conservation, physicochemical variation, residue mobility, and thermodynamic stability) performed at Invitae indicates that this missense variant is not expected to disrupt KMT2D protein function. ClinVar contains an entry for this variant (Variation ID: 2006262). This variant has not been reported in the literature in individuals affected with KMT2D-related conditions. This variant is not present in population databases (gnomAD no frequency). This sequence change replaces valine, which is neutral and non-polar, with isoleucine, which is neutral and non-polar, at codon 3787 of the KMT2D protein (p.Val3787Ile).

GeneDx
Classification: Uncertain significance. Last evaluated: 2022-09-30. Review status: criteria provided, single submitter. Criteria: GeneDx Variant Classification Process June 2021. Collection method: clinical testing. Allele origin: germline. Affected: yes.
Comment: Not observed at significant frequency in large population cohorts (gnomAD); In silico analysis supports that this missense variant does not alter protein structure/function; Has not been previously published as pathogenic or benign to our knowledge